The following is an entry in ClinVar:

NM_001182.5(ALDH7A1):c.73C>T (p.Pro25Ser)

Gene: ALDH7A1 (aldehyde dehydrogenase 7 family member A1; minus strand). Cytogenetic location: 5q23.2.
Variant type: single nucleotide variant.
Coding change: c.73C>T on transcript NM_001182.5 (MANE Select); coding-DNA position 73, C replaced by T.
Protein change: p.Pro25Ser; replaces proline 25 with serine.
Molecular consequence: missense variant. On other transcripts: 5 prime UTR variant (1).
Genome position (GRCh38, 1-based): chr5:126,595,126, G>A on the plus strand (C>T on the coding strand, the complement: ALDH7A1 is on the minus strand). VCF-style: chr5-126595126-G-A. GRCh37 (hg19) VCF-style: chr5-125930818-G-A.
Other names: p.P25S:CCT>TCT; c.-12C>T (NM_001201377.2); c.73C>T, p.Pro25Ser (NM_001202404.2); short protein forms P25S.
Identifiers: ClinVar variation 204857 (VCV000204857.7), dbSNP rs762624752, ClinGen allele CA313221.

ClinVar aggregate classification (germline): Uncertain significance. Review status: criteria provided, multiple submitters, no conflicts (2 of 4 stars). 3 submissions from 3 submitters: Uncertain significance (3). Last evaluated 2023-04-11.

Conditions:
Pyridoxine-dependent epilepsy (EPEO4). Also called: Pyridoxine-Dependent Seizures; Pyridoxine-Dependent Epilepsy - ALDH7A1; PYRIDOXINE DEPENDENCY WITH SEIZURES; EPILEPSY, EARLY-ONSET, 4, VITAMIN B6-DEPENDENT. Identifiers: Orphanet 3006, MedGen C1849508, MONDO:0009945, OMIM 266100. Disease mechanism: loss of function.

Allele frequency attached by ClinVar (database versions not stated): TOPMed 0.00002; gnomAD exomes 0.00003; ExAC 0.00006; gnomAD 0.00001.
gnomAD v4.1: 42 of 1,576,566 alleles (0.0027%); highest among the groups gnomAD compares: South Asian, 0.0046%; no homozygotes.

Submissions (3):

Genome-Nilou Lab
Classification: Uncertain significance for Pyridoxine-dependent epilepsy. Last evaluated: 2023-04-11. Review status: criteria provided, single submitter. Criteria: ACMG Guidelines, 2015. Collection method: clinical testing. Allele origin: germline. Affected: no.

Labcorp Genetics (formerly Invitae), Labcorp
Classification: Uncertain significance for Pyridoxine-dependent epilepsy. Last evaluated: 2022-06-15. Review status: criteria provided, single submitter. Criteria: Invitae Variant Classification Sherloc (09022015). Collection method: clinical testing. Allele origin: germline.
Comment: This sequence change replaces proline, which is neutral and non-polar, with serine, which is neutral and polar, at codon 25 of the ALDH7A1 protein (p.Pro25Ser). This variant is present in population databases (rs762624752, gnomAD 0.005%). This variant has not been reported in the literature in individuals affected with ALDH7A1-related conditions. ClinVar contains an entry for this variant (Variation ID: 204857). Advanced modeling of protein sequence and biophysical properties (such as structural, functional, and spatial information, amino acid conservation, physicochemical variation, residue mobility, and thermodynamic stability) performed at Invitae indicates that this missense variant is not expected to disrupt ALDH7A1 protein function. Algorithms developed to predict the effect of sequence changes on RNA splicing suggest that this variant may create or strengthen a splice site. In summary, the available evidence is currently insufficient to determine the role of this variant in disease. Therefore, it has been classified as a Variant of Uncertain Significance.

GeneDx
Classification: Uncertain significance. Last evaluated: 2012-07-05. Review status: criteria provided, single submitter. Criteria: GeneDx Variant Classification (06012015). Collection method: clinical testing. Allele origin: germline. Affected: yes.
Comment: p.Pro25Ser (CCT>TCT): c.73 C>T in exon 1 of the ALDH7A1 gene (NM_001182.3). The Pro25Ser missense change has not been published as a mutation, nor has it been reported as a benign polymorphism to our knowledge. The NHLBI ESP Exome Variant Project has not identified Pro25Ser in approximately 6,000 individuals of European or African American ethnicity, indicating that it is not a common benign variant in these populations. The amino acid substitution is non-conservative, as a non-polar Proline is replaced by a polar Serine, and the loss of a Proline residue may alter the secondary structure of the protein. It alters a position in the transit peptide that is conserved through mammals. However, to our knowledge mutations have not been previously reported in this region of the protein, and multiple in silico algorithms predict Pro25Ser is likely not pathogenic. Therefore, based on the currently available information, it is unclear whether Pro25Ser is a disease-causing mutation or a rare benign variant. The variant is found in EPILEPSY panel(s).